The following is an entry in ClinVar:

ClinVar aggregate classification (germline): Uncertain significance (1 of 4 stars; one submission).

Allele frequency attached by ClinVar (database versions not stated): ExAC 0.00018; gnomAD 0.00020; TOPMed 0.00022; ESP Exome Variant Server 0.00031; gnomAD exomes 0.00040.
gnomAD v4.1: 600 of 1,613,810 alleles (0.037%); highest among the groups gnomAD compares: Non-Finnish European, 0.049%; no homozygotes.

Submission:

Labcorp Genetics (formerly Invitae), Labcorp
Classification: Uncertain significance. Last evaluated: 2023-12-12. Review status: criteria provided, single submitter. Criteria: Invitae Variant Classification Sherloc (09022015). Collection method: clinical testing. Allele origin: germline.
Comment: This sequence change replaces glutamic acid, which is acidic and polar, with lysine, which is basic and polar, at codon 760 of the HR protein (p.Glu760Lys). This variant is present in population databases (rs146456920, gnomAD 0.04%). This variant has not been reported in the literature in individuals affected with HR-related conditions. An algorithm developed to predict the effect of missense changes on protein structure and function (PolyPhen-2) suggests that this variant is likely to be disruptive. In summary, the available evidence is currently insufficient to determine the role of this variant in disease. Therefore, it has been classified as a Variant of Uncertain Significance.

NM_005144.5(HR):c.2278G>A (p.Glu760Lys)

Gene: HR (HR lysine demethylase and nuclear receptor corepressor; minus strand). Cytogenetic location: 8p21.3.
Variant type: single nucleotide variant.
Coding change: c.2278G>A on transcript NM_005144.5 (MANE Select); coding-DNA position 2278, G replaced by A.
Protein change: p.Glu760Lys; replaces glutamic acid 760 with lysine.
Molecular consequence: missense variant.
Genome position (GRCh38, 1-based): chr8:22,121,154, C>T on the plus strand (G>A on the coding strand, the complement: HR is on the minus strand). VCF-style: chr8-22121154-C-T. GRCh37 (hg19) VCF-style: chr8-21978667-C-T.
Other names: c.2278G>A, p.Glu760Lys (NM_018411.4); short protein forms E760K.
Identifiers: ClinVar variation 2726865 (VCV002726865.3), dbSNP rs146456920, ClinGen allele CA4662158.